The following is an entry in ClinVar:

NM_001270508.2(TNFAIP3):c.1225G>T (p.Glu409Ter)

Gene: TNFAIP3 (TNF alpha induced protein 3; plus strand). Cytogenetic location: 6q23.3.
Variant type: single nucleotide variant.
Coding change: c.1225G>T on transcript NM_001270508.2 (MANE Select); coding-DNA position 1225, G replaced by T.
Protein change: p.Glu409Ter; replaces glutamic acid 409 with a stop codon.
Molecular consequence: nonsense.
Genome position (GRCh38, 1-based): chr6:137,878,670, G>T. VCF-style: chr6-137878670-G-T. GRCh37 (hg19) VCF-style: chr6-138199807-G-T.
Other names: c.1225G>T, p.Glu409Ter (NM_001270507.2, NM_006290.4); short protein forms E409*.
Identifiers: ClinVar variation 2701572 (VCV002701572.3), dbSNP rs1776331041, ClinGen allele CA365789160.

ClinVar aggregate classification (germline): Pathogenic (1 of 4 stars; one submission).

Submission:

Labcorp Genetics (formerly Invitae), Labcorp
Classification: Pathogenic. Last evaluated: 2023-12-09. Review status: criteria provided, single submitter. Criteria: Invitae Variant Classification Sherloc (09022015). Collection method: clinical testing. Allele origin: germline.
Comment: This sequence change creates a premature translational stop signal (p.Glu409*) in the TNFAIP3 gene. It is expected to result in an absent or disrupted protein product. Loss-of-function variants in TNFAIP3 are known to be pathogenic (PMID: 26642243). This variant is not present in population databases (gnomAD no frequency). This variant has not been reported in the literature in individuals affected with TNFAIP3-related conditions. For these reasons, this variant has been classified as Pathogenic.

Literature cited by the submitters: PubMed 26642243.